The following is an entry in ClinVar:

NM_001267550.2(TTN):c.46810_46814del (p.Lys15603_Glu15604insTer)

Genes: TTN-AS1 (TTN antisense RNA 1; plus strand), TTN (titin; minus strand). Cytogenetic location: 2q31.2.
Variant type: Deletion.
Coding change: c.46810_46814del on transcript NM_001267550.2 (MANE Select); coding-DNA positions 46810 to 46814, 5 bases deleted (GAAAA; older notation c.46810_46814delGAAAA).
Protein change: p.Lys15603_Glu15604insTer.
Molecular consequence: nonsense.
Genome position (GRCh38, 1-based): chr2:178,618,736-178,618,740, TTTTC deleted on the plus strand (GAAAA on the coding strand, the reverse complement: TTN is on the minus strand); deleting any 5 consecutive bases within chr2:178,618,736-178,618,743 gives the same sequence; the c. name uses the placement nearest the transcript's 3' end. VCF-style (leftmost placement, unchanged base first): chr2-178618735-ATTTTC-A. GRCh37 (hg19) VCF-style: chr2-179483462-ATTTTC-A.
Other names: c.41887_41891del, p.Lys13962_Glu13963insTer (NM_001256850.1); c.19615_19619del, p.Lys6538_Glu6539insTer (NM_003319.4); c.39106_39110del, p.Lys13035_Glu13036insTer (NM_133378.4); c.19990_19994del, p.Lys6663_Glu6664insTer (NM_133432.3); c.20191_20195del, p.Lys6730_Glu6731insTer (NM_133437.4).
Identifiers: ClinVar variation 1992468 (VCV001992468.4), dbSNP rs2470914262, ClinGen allele CA2580065415.

ClinVar aggregate classification (germline): Likely pathogenic (1 of 4 stars; one submission).

Conditions:
Dilated cardiomyopathy 1G (CMD1G). Identifiers: Orphanet 154, MedGen C1858763, MONDO:0011400, OMIM 604145.
Autosomal recessive limb-girdle muscular dystrophy type 2J (LGMDR10). Also called: Limb-girdle muscular dystrophy, type 2J; MUSCULAR DYSTROPHY, LIMB-GIRDLE, AUTOSOMAL RECESSIVE 10. Identifiers: Orphanet 140922, MedGen C1837342, MONDO:0012127, OMIM 608807.

Submission:

Labcorp Genetics (formerly Invitae), Labcorp
Classification: Likely pathogenic for Dilated cardiomyopathy 1G; Autosomal recessive limb-girdle muscular dystrophy type 2J. Last evaluated: 2024-11-04. Review status: criteria provided, single submitter. Criteria: Invitae Variant Classification Sherloc (09022015). Collection method: clinical testing. Allele origin: germline.
Comment: This sequence change creates a premature translational stop signal (p.Glu15604*) in the TTN gene. While this is not anticipated to result in nonsense mediated decay, it is expected to create a truncated TTN protein. This variant is not present in population databases (gnomAD no frequency). This variant has not been reported in the literature in individuals affected with TTN-related conditions. ClinVar contains an entry for this variant (Variation ID: 1992468). This variant is located in the I band of TTN (PMID: 25589632). Truncating variants in this region have been reported in individuals affected with autosomal recessive centronuclear myopathy (PMID: 23975875, internal data). Truncating variants in this region have also been identified in individuals affected with autosomal dominant dilated cardiomyopathy and/or cardio-related conditions (PMID: 27869827, 32964742, internal data). In summary, the currently available evidence indicates that the variant is pathogenic, but additional data are needed to prove that conclusively. Therefore, this variant has been classified as Likely Pathogenic.

Literature cited by the submitters: PubMed 25589632; PubMed 23975875; PubMed 27869827; PubMed 32964742.